The following is an entry in ClinVar:

ClinVar aggregate classification (germline): Benign/Likely benign. Review status: criteria provided, multiple submitters, no conflicts (2 of 4 stars). 4 submissions from 4 submitters: Benign (2); Likely benign (2). Last evaluated 2026-01-20.

Conditions:
Vanishing white matter disease. Also called: CACH syndrome; Childhood ataxia with diffuse central nervous system hypomyelination; Leukoencephalopathy with vanishing white matter; CACH/VWM syndrome; Cree leukoencehalopathy. Identifiers: Orphanet 135, Orphanet 99853, MedGen C1858991, MONDO:0800448.
EIF2B1-related disorder. Also called: EIF2B1-related condition.

Allele frequency attached by ClinVar (database versions not stated): gnomAD exomes 0.00103 and 0.00057; ExAC 0.00115; TOPMed 0.00009; gnomAD 0.00011 and 0.00030; 1000 Genomes Project 30x 0.00094; 1000 Genomes Project 0.00100.
gnomAD v4.1: 872 of 1,614,046 alleles (0.054%); highest among the groups gnomAD compares: South Asian, 0.76%; 8 homozygotes.

Submissions (4):

Labcorp Genetics (formerly Invitae), Labcorp
Classification: Benign. Last evaluated: 2026-01-20. Review status: criteria provided, single submitter. Criteria: Invitae Variant Classification Sherloc (09022015). Collection method: clinical testing. Allele origin: germline.

PreventionGenetics, part of Exact Sciences
Classification: Benign for EIF2B1-related condition. Last evaluated: 2025-09-19. Review status: criteria provided, single submitter. Criteria: ACMG Guidelines, 2015. Collection method: clinical testing. Allele origin: germline.
Comment: This variant is classified as benign based on ACMG/AMP sequence variant interpretation guidelines (Richards et al. 2015 PMID: 25741868, with internal and published modifications).

Fulgent Genetics
Classification: Likely benign for Leukoencephalopathy with vanishing white matter 1. Last evaluated: 2021-08-09. Review status: criteria provided, single submitter. Criteria: ACMG Guidelines, 2015. Collection method: clinical testing. Allele origin: unknown.

Illumina Laboratory Services, Illumina
Classification: Likely benign for Leukoencephalopathy with vanishing white matter 1. Last evaluated: 2018-01-12. Review status: criteria provided, single submitter. Criteria: ICSL Variant Classification Criteria 13 December 2019. Collection method: clinical testing. Allele origin: germline.
Comment: This variant was observed in the ICSL laboratory as part of a predisposition screen in an ostensibly healthy population. It had not been previously curated by ICSL or reported in the Human Gene Mutation Database (HGMD: prior to June 1st, 2018), and was therefore a candidate for classification through an automated scoring system. Utilizing variant allele frequency, disease prevalence and penetrance estimates, and inheritance mode, an automated score was calculated to assess if this variant is too frequent to cause the disease. Based on the score and internal cut-off values, a variant classified as likely benign is not then subjected to further curation. The score for this variant resulted in a classification of likely benign for this disease.

NM_001414.4(EIF2B1):c.176T>C (p.Val59Ala)

Gene: EIF2B1 (eukaryotic translation initiation factor 2B subunit alpha; minus strand). Cytogenetic location: 12q24.31.
Variant type: single nucleotide variant.
Coding change: c.176T>C on transcript NM_001414.4 (MANE Select); coding-DNA position 176, T replaced by C.
Protein change: p.Val59Ala; replaces valine 59 with alanine.
Molecular consequence: missense variant.
Genome position (GRCh38, 1-based): chr12:123,630,473, A>G on the plus strand (T>C on the coding strand, the complement: EIF2B1 is on the minus strand). VCF-style: chr12-123630473-A-G. GRCh37 (hg19) VCF-style: chr12-124115020-A-G.
Other names: short protein forms V59A.
Identifiers: ClinVar variation 883546 (VCV000883546.14), dbSNP rs199544322, ClinGen allele CA6860209.
Genomic context (GRCh38, chr12:123,630,473, plus strand): 5'-GCAAGACTGATGAAGCGGAGGAAGAGCTCCCCGCCAGAGGACACTGCCACAGAGGAGTCC[A>G]CACCACACAGGGTTTCTATGGCACTGGTGAGATTCGCCCTCAGACCCTGGATTGTCTCCC-3'
Protein context (NP_001405.1, residues 49-69): LTSAIETLCG[Val59Ala]DSSVAVSSGG